The following is an entry in ClinVar:

NM_024417.5(FDXR):c.310C>T (p.Arg104Cys)

Gene: FDXR (ferredoxin reductase; minus strand). Cytogenetic location: 17q25.1.
Variant type: single nucleotide variant.
Coding change: c.310C>T on transcript NM_024417.5 (MANE Select); coding-DNA position 310, C replaced by T.
Protein change: p.Arg104Cys; replaces arginine 104 with cysteine.
Molecular consequence: missense variant. On other transcripts: non-coding transcript variant (1), intron variant (1).
Genome position (GRCh38, 1-based): chr17:74,866,529, G>A on the plus strand (C>T on the coding strand, the complement: FDXR is on the minus strand). VCF-style: chr17-74866529-G-A. GRCh37 (hg19) VCF-style: chr17-72862651-G-A.
Other names: c.439C>T, p.Arg147Cys (NM_001258012.4); c.403C>T, p.Arg135Cys (NM_001258013.4); c.286C>T, p.Arg96Cys (NM_001258014.4); c.154C>T, p.Arg52Cys (NM_001258016.3); c.310C>T, p.Arg104Cys (NM_004110.6); c.273+255C>T (NM_001258015.3); short protein forms R104C, R135C, R147C, R52C, R96C.
Identifiers: ClinVar variation 3776413 (VCV003776413.3).
Genomic context (GRCh38, chr17:74,866,529, plus strand): 5'-CCTGCAGCTCCGGCACCGTCACGTCCCTGCCCACCTCCACGTTGCCCCAGAAGGCACAGC[G>A]GCCAGAATGGGCCGTCTGGGTAAATGTGTTGATGACATTCTGCCAGGTCCCCCGGGAATG-3'
Protein context (NP_077728.3, residues 94-114): NTFTQTAHSG[Arg104Cys]CAFWGNVEVG

ClinVar aggregate classification (germline): Conflicting classifications of pathogenicity. Review status: criteria provided, conflicting classifications (1 of 4 stars). 3 submissions from 3 submitters: Pathogenic (1); Likely pathogenic (1); Uncertain significance (1). Last evaluated 2025-12-01.

Conditions:
Auditory neuropathy-optic atrophy syndrome. Also called: MULTIPLE MITOCHONDRIAL DYSFUNCTIONS SYNDROME 9A; AUDITORY NEUROPATHY AND OPTIC ATROPHY. Identifiers: Orphanet 542585, MedGen C4521678, MONDO:0060582, OMIM 617717.
FDXR-related disorder. Also called: FDXR-related condition; FDXR-related disorders.

gnomAD v4.1: 72 of 1,613,562 alleles (0.0045%); highest among the groups gnomAD compares: East Asian, 0.0022%; no homozygotes.

Submissions (3):

Department of Clinical Genetics, Copenhagen University Hospital, Rigshospitalet
Classification: Likely pathogenic for Auditory neuropathy-optic atrophy syndrome. Last evaluated: 2025-12-01. Review status: criteria provided, single submitter. Criteria: ACMG Guidelines, 2015. Collection method: clinical testing. Allele origin: inherited. Affected: yes. Observed: 1 variant allele.
Comment: PM2_supporting + PM3_strong + PP3_supporting. Confirmed in trans with NM_024417.5(FDXR):c.271-14G>A (VUS).

GeneDx
Classification: Uncertain significance. Last evaluated: 2024-10-03. Review status: criteria provided, single submitter. Criteria: GeneDx Variant Classification Process June 2021. Collection method: clinical testing. Allele origin: germline. Affected: yes.
Comment: In silico analysis supports that this missense variant has a deleterious effect on protein structure/function; This variant is associated with the following publications: (PMID: 37107710, 36972934)

Blueprint Genetics
Classification: Pathogenic for FDXR-related disorders. Last evaluated: 2023-05-22. Review status: criteria provided, single submitter. Criteria: ACMG Guidelines, 2015. Collection method: clinical testing. Allele origin: germline. Affected: yes. Observed: 5 variant alleles.

Literature cited by the submitters: PubMed 37107710 (cited by Department of Clinical Genetics, Copenhagen University Hospital, Rigshospitalet); PubMed 36972934 (cited by Department of Clinical Genetics, Copenhagen University Hospital, Rigshospitalet).